The following is an entry in ClinVar:

NM_002860.4(ALDH18A1):c.1739G>A (p.Ser580Asn)

Gene: ALDH18A1 (aldehyde dehydrogenase 18 family member A1; minus strand). Cytogenetic location: 10q24.1.
Variant type: single nucleotide variant.
Coding change: c.1739G>A on transcript NM_002860.4 (MANE Select); coding-DNA position 1739, G replaced by A.
Protein change: p.Ser580Asn; replaces serine 580 with asparagine.
Molecular consequence: missense variant.
Genome position (GRCh38, 1-based): chr10:95,614,028, C>T on the plus strand (G>A on the coding strand, the complement: ALDH18A1 is on the minus strand). VCF-style: chr10-95614028-C-T. GRCh37 (hg19) VCF-style: chr10-97373785-C-T.
Other names: c.1733G>A, p.Ser578Asn (NM_001017423.2, NM_001323415.2); c.1406G>A, p.Ser469Asn (NM_001323412.2, NM_001323416.2); c.1739G>A, p.Ser580Asn (NM_001323413.2, NM_001323414.2); c.1634G>A, p.Ser545Asn (NM_001323417.2); c.1400G>A, p.Ser467Asn (NM_001323418.2); c.1103G>A, p.Ser368Asn (NM_001323419.2); short protein forms S368N, S467N, S469N, S545N, S578N, S580N.
Identifiers: ClinVar variation 3761218 (VCV003761218.2).

ClinVar aggregate classification (germline): Uncertain significance (1 of 4 stars; one submission).

Conditions:
Cutis laxa, autosomal dominant 3 (ADCL3). Identifiers: Orphanet 90348, MedGen C4225268, MONDO:0014706, OMIM 616603.
Autosomal dominant spastic paraplegia type 9. Identifiers: MedGen C1832669, MONDO:0015091.
de Barsy syndrome. Also called: Cutis laxa-corneal clouding-oligophrenia syndrome. Identifiers: Orphanet 2962, MedGen C0268354, MONDO:0017569.

gnomAD v4.1: 1 of 1,614,232 alleles (0.000062%); highest among the groups gnomAD compares: East Asian, 0.0022%; no homozygotes.

Submission:

Labcorp Genetics (formerly Invitae), Labcorp
Classification: Uncertain significance for Autosomal dominant spastic paraplegia type 9; de Barsy syndrome; Cutis laxa, autosomal dominant 3. Last evaluated: 2024-07-08. Review status: criteria provided, single submitter. Criteria: Invitae Variant Classification Sherloc (09022015). Collection method: clinical testing. Allele origin: germline.
Comment: This sequence change replaces serine, which is neutral and polar, with asparagine, which is neutral and polar, at codon 580 of the ALDH18A1 protein (p.Ser580Asn). This variant is not present in population databases (gnomAD no frequency). This variant has not been reported in the literature in individuals affected with ALDH18A1-related conditions. Advanced modeling of protein sequence and biophysical properties (such as structural, functional, and spatial information, amino acid conservation, physicochemical variation, residue mobility, and thermodynamic stability) has been performed at Invitae for this missense variant, however the output from this modeling did not meet the statistical confidence thresholds required to predict the impact of this variant on ALDH18A1 protein function. In summary, the available evidence is currently insufficient to determine the role of this variant in disease. Therefore, it has been classified as a Variant of Uncertain Significance.